The following is an entry in ClinVar:

ClinVar aggregate classification (germline): Pathogenic (1 of 4 stars; one submission).

Submission:

GeneDx
Classification: Pathogenic. Last evaluated: 2026-03-13. Review status: criteria provided, single submitter. Criteria: GeneDx Variant Classification Process June 2021. Collection method: clinical testing. Allele origin: germline.
Comment: Nonsense variant predicted to result in protein truncation or nonsense mediated decay in a gene for which loss of function is a known mechanism of disease; Not observed at significant frequency in large population cohorts (gnomAD); Has not been previously published as pathogenic or benign to our knowledge

NM_001083614.2(EARS2):c.202C>T (p.Gln68Ter)

Gene: EARS2 (glutamyl-tRNA synthetase 2, mitochondrial; minus strand). Cytogenetic location: 16p12.2.
Variant type: single nucleotide variant.
Coding change: c.202C>T on transcript NM_001083614.2 (MANE Select); coding-DNA position 202, C replaced by T.
Protein change: p.Gln68Ter; replaces glutamine 68 with a stop codon.
Molecular consequence: nonsense. On other transcripts: non-coding transcript variant (1).
Genome position (GRCh38, 1-based): chr16:23,552,242, G>A on the plus strand (C>T on the coding strand, the complement: EARS2 is on the minus strand). VCF-style: chr16-23552242-G-A. GRCh37 (hg19) VCF-style: chr16-23563563-G-A.
Other names: c.202C>T, p.Gln68Ter (NM_001308211.1, NM_133451.1); short protein forms Q68*.
Identifiers: ClinVar variation 2444670 (VCV002444670.2), dbSNP rs1307461229, ClinGen allele CA395140868.